The following is an entry in ClinVar:

NM_000256.3(MYBPC3):c.3545G>C (p.Ser1182Thr)

Gene: MYBPC3 (myosin binding protein C3; minus strand). Cytogenetic location: 11p11.2.
Variant type: single nucleotide variant.
Coding change: c.3545G>C on transcript NM_000256.3 (MANE Select); coding-DNA position 3545, G replaced by C.
Protein change: p.Ser1182Thr; replaces serine 1182 with threonine.
Molecular consequence: missense variant.
Genome position (GRCh38, 1-based): chr11:47,332,648, C>G on the plus strand (G>C on the coding strand, the complement: MYBPC3 is on the minus strand). VCF-style: chr11-47332648-C-G. GRCh37 (hg19) VCF-style: chr11-47354199-C-G.
Other names: short protein forms S1182T.
Identifiers: ClinVar variation 854702 (VCV000854702.10), dbSNP rs1336244582, ClinGen allele CA380312630.

ClinVar aggregate classification (germline): Uncertain significance. Review status: criteria provided, multiple submitters, no conflicts (2 of 4 stars). 3 submissions from 3 submitters: Uncertain significance (3). Last evaluated 2024-05-14.

Conditions:
Hypertrophic cardiomyopathy. Also called: HYPERTROPHIC MYOCARDIOPATHY. Identifiers: Orphanet 217569, MedGen C0007194, MeSH D002312, MONDO:0005045, HP:0001639.

Allele frequency attached by ClinVar (database versions not stated): gnomAD exomes below 0.00001; TOPMed below 0.00001.

Submissions (3):

All of Us Research Program, National Institutes of Health
Classification: Uncertain significance for Hypertrophic cardiomyopathy. Last evaluated: 2024-05-14. Review status: criteria provided, single submitter. Criteria: ACMG Guidelines, 2015. Collection method: clinical testing. Allele origin: germline. Inheritance: Autosomal dominant inheritance. Observed: 1 variant allele, 1 heterozygote.
Comment: This missense variant replaces serine with threonine at codon 1182 of the MYBPC3 protein. Computational prediction suggests that this variant may not impact protein structure and function (internally defined REVEL score threshold <= 0.5, PMID: 27666373). To our knowledge, functional studies have not been reported for this variant. This variant has not been reported in individuals affected with MYBPC3-related disorders in the literature. This variant has been identified in 1/248400 chromosomes in the general population by the Genome Aggregation Database (gnomAD). The available evidence is insufficient to determine the role of this variant in disease conclusively. Therefore, this variant is classified as a Variant of Uncertain Significance.

This study involves interpretation of variants in research participants for the purpose of population health screening. Participant phenotype was not available at the time of variant classification. Additional details can be found in publication PMID: 35346344, PMCID: PMC8962531

Labcorp Genetics (formerly Invitae), Labcorp
Classification: Uncertain significance for Hypertrophic cardiomyopathy. Last evaluated: 2024-04-01. Review status: criteria provided, single submitter. Criteria: Invitae Variant Classification Sherloc (09022015). Collection method: clinical testing. Allele origin: germline.
Comment: This sequence change replaces serine, which is neutral and polar, with threonine, which is neutral and polar, at codon 1182 of the MYBPC3 protein (p.Ser1182Thr). This variant is present in population databases (no rsID available, gnomAD 0.003%). This variant has not been reported in the literature in individuals affected with MYBPC3-related conditions. ClinVar contains an entry for this variant (Variation ID: 854702). An algorithm developed to predict the effect of missense changes on protein structure and function (PolyPhen-2) suggests that this variant is likely to be disruptive. In summary, the available evidence is currently insufficient to determine the role of this variant in disease. Therefore, it has been classified as a Variant of Uncertain Significance.

GeneDx
Classification: Uncertain significance. Last evaluated: 2021-06-25. Review status: criteria provided, single submitter. Criteria: GeneDx Variant Classification Process June 2021. Collection method: clinical testing. Allele origin: germline. Affected: yes.
Comment: Has not been previously published as pathogenic or benign to our knowledge; Reported in ClinVar as a variant of uncertain significance (ClinVar Variant ID# 854702; Landrum et al., 2016); Not observed at significant frequency in large population cohorts (Lek et al., 2016); In silico analysis supports that this missense variant does not alter protein structure/function; This variant is associated with the following publications: (PMID: 26582918, 27535533)